The following is an entry in ClinVar:

ClinVar aggregate classification (germline): Likely pathogenic. Review status: criteria provided, multiple submitters, no conflicts (2 of 4 stars). 2 submissions from 2 submitters: Likely pathogenic (2). Last evaluated 2025-09-27.

Conditions:
Hypophosphatasia. Also called: Phosphoethanol-aminuria. Identifiers: Orphanet 436, MedGen C0020630, MeSH D007014, MONDO:0018570.

Submissions (2):

Labcorp Genetics (formerly Invitae), Labcorp
Classification: Likely pathogenic. Last evaluated: 2025-09-27. Review status: criteria provided, single submitter. Criteria: Invitae Variant Classification Sherloc (09022015). Collection method: clinical testing. Allele origin: germline.
Comment: This sequence change replaces glycine, which is neutral and non-polar, with glutamic acid, which is acidic and polar, at codon 61 of the ALPL protein (p.Gly61Glu). This variant is not present in population databases (gnomAD no frequency). This missense change has been observed in individuals with hypophosphatasia (PMID: 36361766; internal data). ClinVar contains an entry for this variant (Variation ID: 2012612). An algorithm developed to predict the effect of missense changes on protein structure and function (PolyPhen-2) suggests that this variant is likely to be disruptive. In summary, the currently available evidence indicates that the variant is pathogenic, but additional data are needed to prove that conclusively. Therefore, this variant has been classified as Likely Pathogenic.

Genomenon, Inc
Classification: Likely pathogenic for Hypophosphatasia. Last evaluated: 2025-08-29. Review status: criteria provided, single submitter. Criteria: Genomenon Sequence Variant Interpretation Standards. Collection method: curation. Allele origin: germline. Affected: yes.
Comment: ALPL c.182G>A is a missense variant that changes the amino acid at residue 61 from Glycine to Glutamic acid. This variant has been observed in at least one proband affected with hypophosphatasia (PMID:36361766). It is absent or not present at a significant frequency in gnomAD. In silico models agree that this variant is possibly or probably damaging. In conclusion, we classify ALPL p.Gly61Glu (c.182G>A) as a likely pathogenic variant.

Literature cited by the submitters: PubMed 36361766 (cited by Labcorp Genetics (formerly Invitae), Labcorp and Genomenon, Inc).

NM_000478.6(ALPL):c.182G>A (p.Gly61Glu)

Gene: ALPL (alkaline phosphatase, biomineralization associated; plus strand). Cytogenetic location: 1p36.12.
Variant type: single nucleotide variant.
Coding change: c.182G>A on transcript NM_000478.6 (MANE Select); coding-DNA position 182, G replaced by A.
Protein change: p.Gly61Glu; replaces glycine 61 with glutamic acid.
Molecular consequence: missense variant. On other transcripts: intron variant (1).
Genome position (GRCh38, 1-based): chr1:21,561,097, G>A. VCF-style: chr1-21561097-G-A. GRCh37 (hg19) VCF-style: chr1-21887590-G-A.
Other names: c.17G>A, p.Gly6Glu (NM_001127501.4); c.182G>A, p.Gly61Glu (NM_001369803.2, NM_001369804.2, NM_001369805.2); c.66+352G>A (NM_001177520.3); short protein forms G6E, G61E.
Identifiers: ClinVar variation 2012612 (VCV002012612.5), dbSNP rs2545291966, ClinGen allele CA338877824.